The following is an entry in ClinVar:

NM_002204.4(ITGA3):c.*96G>A

Gene: ITGA3 (integrin subunit alpha 3; plus strand). Cytogenetic location: 17q21.33.
Variant type: single nucleotide variant.
Coding change: c.*96G>A on transcript NM_002204.4 (MANE Select); 96 bases downstream of the stop codon, G replaced by A.
Molecular consequence: 3 prime UTR variant.
Genome position (GRCh38, 1-based): chr17:50,089,174, G>A. VCF-style: chr17-50089174-G-A. GRCh37 (hg19) VCF-style: chr17-48166538-G-A.
Other names: NM_005501.2:c.3110G>A.
Identifiers: ClinVar variation 3111211 (VCV003111211.2), dbSNP rs144922409, ClinGen allele CA8642208.

ClinVar aggregate classification (germline): Uncertain significance. Review status: criteria provided, multiple submitters, no conflicts (2 of 4 stars). 2 submissions from 2 submitters: Uncertain significance (2). Last evaluated 2024-08-13.

Conditions:
Epidermolysis bullosa, junctional 7, with interstitial lung disease and nephrotic syndrome. Also called: Interstitial Lung Disease with Nephrotic Syndrome and Epidermolysis Bullosa; Interstitial lung disease, nephrotic syndrome, and epidermolysis bullosa, congenital. Identifiers: Orphanet 306504, MedGen C4518785, MONDO:0013881, OMIM 614748.
Inborn genetic diseases. Identifiers: MedGen C0950123, MeSH D030342.

Allele frequency attached by ClinVar (database versions not stated): 1000 Genomes Project 30x 0.00016; TOPMed 0.00046; ExAC 0.00013; 1000 Genomes Project 0.00020; gnomAD 0.00035; ESP Exome Variant Server 0.00069.
gnomAD v4.1: 172 of 1,612,692 alleles (0.011%); highest among the groups gnomAD compares: African/African-American, 0.17%; no homozygotes.

Submissions (2):

Clinical Genomics Laboratory, Washington University in St. Louis
Classification: Uncertain significance for Epidermolysis bullosa, junctional 7, with interstitial lung disease and nephrotic syndrome. Last evaluated: 2024-08-13. Review status: criteria provided, single submitter. Criteria: ACMG Guidelines, 2015. Collection method: clinical testing. Allele origin: germline.
Comment: An ITGA3 c.*96G>A variant in the 3'-UTR region was identified. This variant, to our knowledge, has not been reported in the medical literature. It is observed on 47/282,652 alleles in the general population (gnomAD v.2.1.1). The ITGA3 c.*96G>A variant has been reported in the ClinVar database as a variant of uncertain clinical significance by one submitter (ClinVar Variation ID: 3111211). Computational predictors indicate that the variant has no impact on splicing, evidence that this variant does not have a damaging effect on ITGA3 function. Due to limited information, and based on ACMG/AMP guidelines for variant interpretation (Richards S et al., PMID: 25741868), the clinical significance of this variant is uncertain at this time.

Ambry Genetics
Classification: Uncertain significance for Inborn genetic diseases. Last evaluated: 2023-11-06. Review status: criteria provided, single submitter. Criteria: Ambry Variant Classification Scheme 2023. Collection method: clinical testing. Allele origin: germline.